The following is an entry in ClinVar:

NM_002843.4(PTPRJ):c.1352A>G (p.His451Arg)

Gene: PTPRJ (protein tyrosine phosphatase receptor type J; plus strand). Cytogenetic location: 11p11.2.
Variant type: single nucleotide variant.
Coding change: c.1352A>G on transcript NM_002843.4 (MANE Select); coding-DNA position 1352, A replaced by G.
Protein change: p.His451Arg; replaces histidine 451 with arginine.
Molecular consequence: missense variant.
Genome position (GRCh38, 1-based): chr11:48,128,038, A>G. VCF-style: chr11-48128038-A-G. GRCh37 (hg19) VCF-style: chr11-48149590-A-G.
Other names: NC_000011.9:g.48149590A>G; c.1352A>G, p.His451Arg (NM_001098503.2); short protein forms H451R.
Identifiers: ClinVar variation 789797 (VCV000789797.8), dbSNP rs61739249, ClinGen allele CA5982143.

ClinVar aggregate classification (germline): Benign. Review status: criteria provided, multiple submitters, no conflicts (2 of 4 stars). 3 submissions from 3 submitters: Benign (2). 1 of the submissions does not count toward it. Last evaluated 2019-12-31.

Conditions:
PTPRJ-related disorder. Also called: PTPRJ-related condition.

Allele frequency attached by ClinVar (database versions not stated): TOPMed 0.00758; ESP Exome Variant Server 0.00808; gnomAD exomes 0.00061 and 0.00174; 1000 Genomes Project 0.00978; ExAC 0.00211; gnomAD 0.00734 and 0.00687; 1000 Genomes Project 30x 0.01046.
gnomAD v4.1: 1,965 of 1,612,494 alleles (0.12%); highest among the groups gnomAD compares: African/African-American, 2.4%; 30 homozygotes.

Submissions (6):

Labcorp Genetics (formerly Invitae), Labcorp
Classification: Benign. Last evaluated: 2019-12-31. Review status: criteria provided, single submitter. Criteria: Invitae Variant Classification Sherloc (09022015). Collection method: clinical testing. Allele origin: germline.

Breakthrough Genomics
Classification: Benign. Review status: criteria provided, single submitter. Criteria: ACMG Guidelines, 2015. Collection method: not provided. Allele origin: germline. Inheritance: Autosomal dominant inheritance. Affected: yes.

PreventionGenetics, part of Exact Sciences
Classification: Benign for PTPRJ-related condition. Last evaluated: 2019-03-21. Review status: no assertion criteria provided. Collection method: clinical testing. Allele origin: germline. Not counted in ClinVar's aggregate classification.
Comment: This variant is classified as benign based on ACMG/AMP sequence variant interpretation guidelines (Richards et al. 2015 PMID: 25741868, with internal and published modifications).

Dr. Peter K. Rogan Lab, Western University
No classification provided (evidence only). Condition: Clear cell carcinoma of kidney. Review status: no classification provided. Collection method: in vitro. Allele origin: not applicable. Functional consequence: retained intron. Not counted in ClinVar's aggregate classification.

Dr. Peter K. Rogan Lab, Western University
No classification provided (evidence only). Condition: Malignant tumor of esophagus. Review status: no classification provided. Collection method: in vitro. Allele origin: not applicable. Functional consequence: retained intron. Not counted in ClinVar's aggregate classification.

Dr. Peter K. Rogan Lab, Western University
No classification provided (evidence only). Condition: Malignant tumor of esophagus. Review status: no classification provided. Collection method: in vitro. Allele origin: not applicable. Functional consequence: retained intron. Not counted in ClinVar's aggregate classification.